The following is an entry in ClinVar:

NM_018230.3(NUP133):c.3072A>G (p.Pro1024=)

Gene: NUP133 (nucleoporin 133; minus strand). Cytogenetic location: 1q42.13.
Variant type: single nucleotide variant.
Coding change: c.3072A>G on transcript NM_018230.3 (MANE Select); coding-DNA position 3072, A replaced by G.
Protein change: p.Pro1024=; no amino-acid change (proline 1024 retained).
Molecular consequence: synonymous variant.
Genome position (GRCh38, 1-based): chr1:229,452,552, T>C on the plus strand (A>G on the coding strand, the complement: NUP133 is on the minus strand). VCF-style: chr1-229452552-T-C. GRCh37 (hg19) VCF-style: chr1-229588299-T-C.
Identifiers: ClinVar variation 2079068 (VCV002079068.4), dbSNP rs367562007, ClinGen allele CA1443127.
Genomic context (GRCh38, chr1:229,452,552, plus strand): 5'-AGAAATAGCGTTAAGGATTTGAAAAGCACATACACCAATGAGTTGTGGTGCAGTCAATAC[T>C]GGCATCGCACTGAGATTTAGCTGTTTCTCCGCCAGCAGCTGTTCAGGTAGGGTCTCCTGA-3'
Protein context (NP_060700.2, residues 1014-1034): AEKQLNLSAM[Pro1024=]VLTAPQLIGL

ClinVar aggregate classification (germline): Uncertain significance (1 of 4 stars; one submission).

Allele frequency attached by ClinVar (database versions not stated): gnomAD exomes 0.00004; ExAC 0.00005; gnomAD 0.00005; TOPMed 0.00005; ESP Exome Variant Server 0.00008.
gnomAD v4.1: 67 of 1,613,974 alleles (0.0042%); highest among the groups gnomAD compares: Middle Eastern, 0.033%; no homozygotes.

Submission:

Labcorp Genetics (formerly Invitae), Labcorp
Classification: Uncertain significance. Last evaluated: 2025-08-04. Review status: criteria provided, single submitter. Criteria: Invitae Variant Classification Sherloc (09022015). Collection method: clinical testing. Allele origin: germline.
Comment: This sequence change affects codon 1024 of the NUP133 mRNA. It is a 'silent' change, meaning that it does not change the encoded amino acid sequence of the NUP133 protein. This variant is present in population databases (rs367562007, gnomAD 0.01%). This variant has not been reported in the literature in individuals affected with NUP133-related conditions. ClinVar contains an entry for this variant (Variation ID: 2079068). Algorithms developed to predict the effect of sequence changes on RNA splicing suggest that this variant may create or strengthen a splice site. In summary, the available evidence is currently insufficient to determine the role of this variant in disease. Therefore, it has been classified as a Variant of Uncertain Significance.